The following is an entry in ClinVar:

ClinVar aggregate classification (germline): Uncertain significance. Review status: criteria provided, multiple submitters, no conflicts (2 of 4 stars). 2 submissions from 2 submitters: Uncertain significance (2). Last evaluated 2025-07-13.

Conditions:
Neutropenia, severe congenital, 2, autosomal dominant. Identifiers: Orphanet 486, MedGen C2751288, MONDO:0013139, OMIM 613107.

Allele frequency attached by ClinVar (database versions not stated): gnomAD exomes below 0.00001.
gnomAD v4.1: 5 of 1,613,894 alleles (0.00031%); highest among the groups gnomAD compares: East Asian, 0.0022%; no homozygotes.

Submissions (2):

Ambry Genetics
Classification: Uncertain significance. Last evaluated: 2025-07-13. Review status: criteria provided, single submitter. Criteria: Ambry Variant Classification Scheme 2023. Collection method: clinical testing. Allele origin: germline.
Comment: The p.S378G variant (also known as c.1132A>G), located in coding exon 6 of the GFI1 gene, results from an A to G substitution at nucleotide position 1132. The serine at codon 378 is replaced by glycine, an amino acid with similar properties. This amino acid position is conserved. In addition, this alteration is predicted to be tolerated by in silico analysis. Based on the available evidence, the clinical significance of this variant remains unclear.

Labcorp Genetics (formerly Invitae), Labcorp
Classification: Uncertain significance for Neutropenia, severe congenital, 2, autosomal dominant. Last evaluated: 2022-08-01. Review status: criteria provided, single submitter. Criteria: Invitae Variant Classification Sherloc (09022015). Collection method: clinical testing. Allele origin: germline.
Comment: In summary, the available evidence is currently insufficient to determine the role of this variant in disease. Therefore, it has been classified as a Variant of Uncertain Significance. Algorithms developed to predict the effect of missense changes on protein structure and function (SIFT, PolyPhen-2, Align-GVGD) all suggest that this variant is likely to be disruptive. This variant has not been reported in the literature in individuals affected with GFI1-related conditions. This variant is not present in population databases (gnomAD no frequency). This sequence change replaces serine, which is neutral and polar, with glycine, which is neutral and non-polar, at codon 378 of the GFI1 protein (p.Ser378Gly).

NM_005263.5(GFI1):c.1132A>G (p.Ser378Gly)

Genes: GFI1 (growth factor independent 1 transcriptional repressor; minus strand), LOC129930930 (ATAC-STARR-seq lymphoblastoid active region 1314; plus strand). Cytogenetic location: 1p22.1.
Variant type: single nucleotide variant.
Coding change: c.1132A>G on transcript NM_005263.5 (MANE Select); coding-DNA position 1132, A replaced by G.
Protein change: p.Ser378Gly; replaces serine 378 with glycine.
Molecular consequence: missense variant.
Genome position (GRCh38, 1-based): chr1:92,476,166, T>C on the plus strand (A>G on the coding strand, the complement: GFI1 is on the minus strand). VCF-style: chr1-92476166-T-C. GRCh37 (hg19) VCF-style: chr1-92941723-T-C.
Other names: c.1132A>G, p.Ser378Gly (NM_001127215.3, NM_001127216.3); short protein forms S378G.
Identifiers: ClinVar variation 2133745 (VCV002133745.5), dbSNP rs2524706772, ClinGen allele CA341147888.